The following is an entry in ClinVar:

NM_000548.5(TSC2):c.2097+6T>A

Gene: TSC2 (TSC complex subunit 2; plus strand). Cytogenetic location: 16p13.3.
Variant type: single nucleotide variant.
Coding change: c.2097+6T>A on transcript NM_000548.5 (MANE Select); 6 bases into the intron after coding-DNA position 2097, T replaced by A.
Molecular consequence: intron variant.
Genome position (GRCh38, 1-based): chr16:2,071,940, T>A. VCF-style: chr16-2071940-T-A. GRCh37 (hg19) VCF-style: chr16-2121941-T-A.
Other names: c.2085+6T>A (NM_001406671.1, NM_001406673.1); c.1635+6T>A (NM_001406681.1); c.1986+6T>A (NM_001406670.1, NM_001318827.2, NM_001406678.1); c.1497+6T>A (NM_001406682.1, NM_001406684.1, NM_001406685.1 and 6 more transcripts); c.2040+6T>A (NM_001406677.1); c.1950+6T>A (NM_001406675.1, NM_001406676.1, NM_001318829.2 and 1 more transcripts); c.2130+6T>A (NM_001318832.2); c.753+6T>A (NM_001406693.1, NM_001406689.1, NM_001406690.1 and 6 more transcripts); and 3 more.
Identifiers: ClinVar variation 2711146 (VCV002711146.3), dbSNP rs762550686, ClinGen allele CA2631139730.

ClinVar aggregate classification (germline): Uncertain significance (1 of 4 stars; one submission).

Conditions:
Tuberous sclerosis 2 (TSC2). Identifiers: Orphanet 805, MedGen C1860707, MONDO:0013199, OMIM 613254.

Submission:

Labcorp Genetics (formerly Invitae), Labcorp
Classification: Uncertain significance for Tuberous sclerosis 2. Last evaluated: 2024-01-24. Review status: criteria provided, single submitter. Criteria: Invitae Variant Classification Sherloc (09022015). Collection method: clinical testing. Allele origin: germline.
Comment: This sequence change falls in intron 19 of the TSC2 gene. It does not directly change the encoded amino acid sequence of the TSC2 protein. It affects a nucleotide within the consensus splice site. This variant is not present in population databases (gnomAD no frequency). This variant has not been reported in the literature in individuals affected with TSC2-related conditions. Variants that disrupt the consensus splice site are a relatively common cause of aberrant splicing (PMID: 17576681, 9536098). Algorithms developed to predict the effect of sequence changes on RNA splicing suggest that this variant is not likely to affect RNA splicing. In summary, the available evidence is currently insufficient to determine the role of this variant in disease. Therefore, it has been classified as a Variant of Uncertain Significance.

Literature cited by the submitters: PubMed 17576681; PubMed 9536098.